The following is an entry in ClinVar:

ClinVar aggregate classification (germline): Uncertain significance. Review status: criteria provided, multiple submitters, no conflicts (2 of 4 stars). 4 submissions from 4 submitters: Uncertain significance (4). Last evaluated 2024-10-16.

Conditions:
Retinitis pigmentosa 71 (RP71). Identifiers: Orphanet 791, MedGen C4225342, MONDO:0014618, OMIM 616394.
Bardet-Biedl syndrome 20. Identifiers: MedGen C4310707, MONDO:0023670, OMIM 619471, MONDO:0014926.
Short-rib thoracic dysplasia 10 with or without polydactyly (SRTD10). Identifiers: Orphanet 474, MedGen C3810175, MONDO:0014284, OMIM 615630.

gnomAD v4.1: 21 of 1,613,936 alleles (0.0013%); highest among the groups gnomAD compares: Non-Finnish European, 0.0017%; no homozygotes.

Submissions (4):

Labcorp Genetics (formerly Invitae), Labcorp
Classification: Uncertain significance for Retinitis pigmentosa 71; Short-rib thoracic dysplasia 10 with or without polydactyly. Last evaluated: 2024-10-16. Review status: criteria provided, single submitter. Criteria: Invitae Variant Classification Sherloc (09022015). Collection method: clinical testing. Allele origin: germline.
Comment: This sequence change replaces glutamine, which is neutral and polar, with proline, which is neutral and non-polar, at codon 745 of the IFT172 protein (p.Gln745Pro). This variant is present in population databases (rs765641043, gnomAD 0.004%). This variant has not been reported in the literature in individuals affected with IFT172-related conditions. ClinVar contains an entry for this variant (Variation ID: 1006496). Invitae Evidence Modeling of protein sequence and biophysical properties (such as structural, functional, and spatial information, amino acid conservation, physicochemical variation, residue mobility, and thermodynamic stability) has been performed for this missense variant. However, the output from this modeling did not meet the statistical confidence thresholds required to predict the impact of this variant on IFT172 protein function. In summary, the available evidence is currently insufficient to determine the role of this variant in disease. Therefore, it has been classified as a Variant of Uncertain Significance.

Blueprint Genetics
Classification: Uncertain significance. Last evaluated: 2024-08-20. Review status: criteria provided, single submitter. Criteria: ACMG Guidelines, 2015. Collection method: clinical testing. Allele origin: germline.

GeneDx
Classification: Uncertain significance. Last evaluated: 2024-07-19. Review status: criteria provided, single submitter. Criteria: GeneDx Variant Classification Process June 2021. Collection method: clinical testing. Allele origin: germline. Affected: yes.
Comment: Not observed at significant frequency in large population cohorts (gnomAD); In silico analysis supports that this missense variant has a deleterious effect on protein structure/function; Has not been previously published as pathogenic or benign to our knowledge

Fulgent Genetics
Classification: Uncertain significance for Short-rib thoracic dysplasia 10 with or without polydactyly; Retinitis pigmentosa 71; Bardet-Biedl syndrome 20. Last evaluated: 2023-12-27. Review status: criteria provided, single submitter. Criteria: ACMG Guidelines, 2015. Collection method: clinical testing. Allele origin: germline.

NM_015662.3(IFT172):c.2234A>C (p.Gln745Pro)

Gene: IFT172 (intraflagellar transport 172; minus strand). Cytogenetic location: 2p23.3.
Variant type: single nucleotide variant.
Coding change: c.2234A>C on transcript NM_015662.3 (MANE Select); coding-DNA position 2234, A replaced by C.
Protein change: p.Gln745Pro; replaces glutamine 745 with proline.
Molecular consequence: missense variant.
Genome position (GRCh38, 1-based): chr2:27,461,477, T>G on the plus strand (A>C on the coding strand, the complement: IFT172 is on the minus strand). VCF-style: chr2-27461477-T-G. GRCh37 (hg19) VCF-style: chr2-27684344-T-G.
Other names: c.2234A>C (NM_015662.2); short protein forms Q745P.
Identifiers: ClinVar variation 1006496 (VCV001006496.10), dbSNP rs765641043, ClinGen allele CA1580351.